The following is an entry in ClinVar:

NM_145290.4(ADGRA3):c.2849A>G (p.Tyr950Cys)

Gene: ADGRA3 (adhesion G protein-coupled receptor A3; minus strand). Cytogenetic location: 4p15.2.
Variant type: single nucleotide variant.
Coding change: c.2849A>G on transcript NM_145290.4 (MANE Select); coding-DNA position 2849, A replaced by G.
Protein change: p.Tyr950Cys; replaces tyrosine 950 with cysteine.
Molecular consequence: missense variant.
Genome position (GRCh38, 1-based): chr4:22,388,822, T>C on the plus strand (A>G on the coding strand, the complement: ADGRA3 is on the minus strand). VCF-style: chr4-22388822-T-C. GRCh37 (hg19) VCF-style: chr4-22390445-T-C.
Other names: short protein forms Y950C.
Identifiers: ClinVar variation 2779471 (VCV002779471.3), dbSNP rs1298941024, ClinGen allele CA356474715.

ClinVar aggregate classification (germline): Uncertain significance (1 of 4 stars; one submission).

Allele frequency attached by ClinVar (database versions not stated): gnomAD exomes below 0.00001.
gnomAD v4.1: 1 of 1,614,088 alleles (0.000062%); highest among the groups gnomAD compares: Admixed American, 0.0017%; no homozygotes.

Submission:

Labcorp Genetics (formerly Invitae), Labcorp
Classification: Uncertain significance. Last evaluated: 2022-11-11. Review status: criteria provided, single submitter. Criteria: Invitae Variant Classification Sherloc (09022015). Collection method: clinical testing. Allele origin: germline.
Comment: This sequence change replaces tyrosine, which is neutral and polar, with cysteine, which is neutral and slightly polar, at codon 950 of the ADGRA3 protein (p.Tyr950Cys). The frequency data for this variant in the population databases is considered unreliable, as metrics indicate poor data quality at this position in the gnomAD database. This variant has not been reported in the literature in individuals affected with ADGRA3-related conditions. Algorithms developed to predict the effect of missense changes on protein structure and function (SIFT, PolyPhen-2, Align-GVGD) all suggest that this variant is likely to be disruptive. In summary, the available evidence is currently insufficient to determine the role of this variant in disease. Therefore, it has been classified as a Variant of Uncertain Significance.